The following is an entry in ClinVar:

NM_052867.4(NALCN):c.2494T>C (p.Tyr832His)

Gene: NALCN (sodium leak channel, non-selective; minus strand). Cytogenetic location: 13q33.1.
Variant type: single nucleotide variant.
Coding change: c.2494T>C on transcript NM_052867.4 (MANE Select); coding-DNA position 2494, T replaced by C.
Protein change: p.Tyr832His; replaces tyrosine 832 with histidine.
Molecular consequence: missense variant.
Genome position (GRCh38, 1-based): chr13:101,107,572, A>G on the plus strand (T>C on the coding strand, the complement: NALCN is on the minus strand). VCF-style: chr13-101107572-A-G. GRCh37 (hg19) VCF-style: chr13-101759923-A-G.
Other names: c.2581T>C, p.Tyr861His (NM_001350748.2); c.2494T>C, p.Tyr832His (NM_001350749.2); c.2407T>C, p.Tyr803His (NM_001350750.2, NM_001350751.2); short protein forms Y803H, Y832H, Y861H.
Identifiers: ClinVar variation 3677145 (VCV003677145.2).
Genomic context (GRCh38, chr13:101,107,572, plus strand): 5'-CCCGGCAAAAGTTTCTGAACCTGTGTTCTCGCCCGACAATGAACAGTGGCTTATCGAAGT[A>G]TGGGTGGTTCTCTCTGAGTTCCTCTTCTTGCACTTTCCTTGAAGGAGAAATTCATGGGAG-3'
Protein context (NP_443099.1, residues 822-842): QEEELRENHP[Tyr832His]FDKPLFIVGR

ClinVar aggregate classification (germline): Uncertain significance (1 of 4 stars; one submission).

gnomAD v4.1: 1 of 1,614,158 alleles (0.000062%); highest among the groups gnomAD compares: Admixed American, 0.0017%; no homozygotes.

Submission:

Labcorp Genetics (formerly Invitae), Labcorp
Classification: Uncertain significance. Last evaluated: 2024-08-05. Review status: criteria provided, single submitter. Criteria: Invitae Variant Classification Sherloc (09022015). Collection method: clinical testing. Allele origin: germline.
Comment: This sequence change replaces tyrosine, which is neutral and polar, with histidine, which is basic and polar, at codon 832 of the NALCN protein (p.Tyr832His). This variant is not present in population databases (gnomAD no frequency). This variant has not been reported in the literature in individuals affected with NALCN-related conditions. Advanced modeling of protein sequence and biophysical properties (such as structural, functional, and spatial information, amino acid conservation, physicochemical variation, residue mobility, and thermodynamic stability) performed at Invitae indicates that this missense variant is not expected to disrupt NALCN protein function with a negative predictive value of 80%. In summary, the available evidence is currently insufficient to determine the role of this variant in disease. Therefore, it has been classified as a Variant of Uncertain Significance.